The following is an entry in ClinVar:

NM_001018113.1(FANCB):c.(?_-268)_(*160_?)del

Gene: FANCB (FA complementation group B; minus strand). Cytogenetic location: Xp22.2.
Variant type: Deletion.
Coding change: c.(?_-268)_(*160_?)del on transcript NM_001018113.1; a large deletion whose breakpoints are not mapped to the base.
Identifiers: ClinVar variation 691295 (VCV000691295.1).

ClinVar aggregate classification (germline): Pathogenic (0 of 4 stars; one submission).

Conditions:
Fanconi anemia complementation group B (FANCB). Also called: FANCB-Related Fanconi Anemia; FANCONI PANCYTOPENIA, TYPE 2. Identifiers: Orphanet 84, MedGen C1845292, MONDO:0010351, OMIM 300514.

Submission:

Leiden Open Variation Database
Classification: Pathogenic for Fanconi anemia complementation group B. Last evaluated: 2015-08-03. Review status: no assertion criteria provided. Collection method: curation. Allele origin: germline. Affected: yes.
Comment: Curator: Arleen D. Auerbach. Submitter to LOVD: Arleen D. Auerbach.

Literature cited by the submitters: PubMed 25168418.